The following is an entry in ClinVar:

NM_024996.7(GFM1):c.1686G>A (p.Glu562=)

Gene: GFM1 (G elongation factor mitochondrial 1; plus strand). Cytogenetic location: 3q25.32.
Variant type: single nucleotide variant.
Coding change: c.1686G>A on transcript NM_024996.7 (MANE Select); coding-DNA position 1686, G replaced by A.
Protein change: p.Glu562=; no amino-acid change (glutamic acid 562 retained).
Molecular consequence: synonymous variant. On other transcripts: non-coding transcript variant (4).
Genome position (GRCh38, 1-based): chr3:158,682,079, G>A. VCF-style: chr3-158682079-G-A. GRCh37 (hg19) VCF-style: chr3-158399868-G-A.
Other names: c.1686G>A, p.Glu562= (NM_001308166.2); c.1605G>A, p.Glu535= (NM_001374355.1); c.1569G>A, p.Glu523= (NM_001374356.1); c.1461G>A, p.Glu487= (NM_001374357.1); c.1227G>A, p.Glu409= (NM_001374358.1); c.1119G>A, p.Glu373= (NM_001374359.1, NM_001374360.1); c.1002G>A, p.Glu334= (NM_001374361.1); c.1743G>A, p.Glu581= (NM_001308164.2); and 1 more.
Identifiers: ClinVar variation 1154390 (VCV001154390.10), dbSNP rs763666956, ClinGen allele CA2682961.

ClinVar aggregate classification (germline): Likely benign. Review status: criteria provided, multiple submitters, no conflicts (2 of 4 stars). 2 submissions from 2 submitters: Likely benign (2). Last evaluated 2026-06-18.

Conditions:
GFM1-related disorder. Also called: GFM1-related condition.

Allele frequency attached by ClinVar (database versions not stated): gnomAD 0.00001; gnomAD exomes 0.00001 and 0.00003; ExAC 0.00003; TOPMed 0.00003.
gnomAD v4.1: 12 of 1,613,216 alleles (0.00074%); highest among the groups gnomAD compares: Admixed American, 0.02%; no homozygotes.

Submissions (2):

PreventionGenetics, part of Exact Sciences
Classification: Likely benign for GFM1-related condition. Last evaluated: 2026-06-18. Review status: criteria provided, single submitter. Criteria: ACMG Guidelines, 2015. Collection method: clinical testing. Allele origin: germline.
Comment: This variant is classified as likely benign based on ACMG/AMP sequence variant interpretation guidelines (Richards et al. 2015 PMID: 25741868, with internal and published modifications).

Labcorp Genetics (formerly Invitae), Labcorp
Classification: Likely benign. Last evaluated: 2024-01-29. Review status: criteria provided, single submitter. Criteria: Invitae Variant Classification Sherloc (09022015). Collection method: clinical testing. Allele origin: germline.